The following is an entry in ClinVar:

NM_002474.3(MYH11):c.5786+220C>A

Genes: MYH11 (myosin heavy chain 11; minus strand), NDE1 (nudE neurodevelopment protein 1; plus strand). Cytogenetic location: 16p13.11.
Variant type: single nucleotide variant.
Coding change: c.5786+220C>A on transcript NM_002474.3 (MANE Select); 220 bases into the intron after coding-DNA position 5786, C replaced by A.
Molecular consequence: intron variant.
Genome position (GRCh38, 1-based): chr16:15,714,689, G>T on the plus strand (C>A on the coding strand, the complement: MYH11 is on the minus strand). VCF-style: chr16-15714689-G-T. GRCh37 (hg19) VCF-style: chr16-15808546-G-T.
Other names: c.948-9502G>T (NM_001143979.2, NM_017668.3); c.5786+220C>A (NM_022844.3); c.5807+220C>A (NM_001040114.2, NM_001040113.2).
Identifiers: ClinVar variation 675280 (VCV000675280.2), dbSNP rs71376094, ClinGen allele CA14278994.

ClinVar aggregate classification (germline): Likely benign. Review status: criteria provided, multiple submitters, no conflicts (2 of 4 stars). 2 submissions from 2 submitters: Likely benign (2). Last evaluated 2018-06-14.

Allele frequency attached by ClinVar (database versions not stated): TOPMed 0.03251; gnomAD 0.03274 and 0.03387; 1000 Genomes Project 30x 0.04029; 1000 Genomes Project 0.04213.
gnomAD v4.1: 20,435 of 628,390 alleles (3.3%); highest among the groups gnomAD compares: South Asian, 8.4%; 525 homozygotes.

Submissions (2):

GeneDx
Classification: Likely benign. Last evaluated: 2018-06-14. Review status: criteria provided, single submitter. Criteria: GeneDx Variant Classification (06012015). Collection method: clinical testing. Allele origin: germline. Affected: yes.
Comment: This variant is considered likely benign or benign based on one or more of the following criteria: it is a conservative change, it occurs at a poorly conserved position in the protein, it is predicted to be benign by multiple in silico algorithms, and/or has population frequency not consistent with disease.

Breakthrough Genomics
Classification: Likely benign. Review status: criteria provided, single submitter. Criteria: ACMG Guidelines, 2015. Collection method: not provided. Allele origin: germline. Inheritance: Autosomal recessive inheritance. Affected: yes.